The following is an entry in ClinVar:

ClinVar aggregate classification (germline): Uncertain significance (1 of 4 stars; one submission).

Submission:

GeneDx
Classification: Uncertain significance. Last evaluated: 2024-09-05. Review status: criteria provided, single submitter. Criteria: GeneDx Variant Classification Process June 2021. Collection method: clinical testing. Allele origin: germline. Affected: yes.
Comment: Not observed at significant frequency in large population cohorts (gnomAD); In silico analysis supports that this missense variant has a deleterious effect on protein structure/function; Has not been previously published as pathogenic or benign to our knowledge

NM_023110.3(FGFR1):c.1265C>T (p.Pro422Leu)

Gene: FGFR1 (fibroblast growth factor receptor 1; minus strand). Cytogenetic location: 8p11.23.
Variant type: single nucleotide variant.
Coding change: c.1265C>T on transcript NM_023110.3 (MANE Select); coding-DNA position 1265, C replaced by T.
Protein change: p.Pro422Leu; replaces proline 422 with leucine.
Molecular consequence: missense variant.
Genome position (GRCh38, 1-based): chr8:38,419,552, G>A on the plus strand (C>T on the coding strand, the complement: FGFR1 is on the minus strand). VCF-style: chr8-38419552-G-A. GRCh37 (hg19) VCF-style: chr8-38277070-G-A.
Other names: c.1265C>T, p.Pro422Leu (NM_001174063.2); c.1241C>T, p.Pro414Leu (NM_001174064.2); c.1259C>T, p.Pro420Leu (NM_001174065.2, NM_001354367.2, NM_001354369.2 and 2 more transcripts); c.998C>T, p.Pro333Leu (NM_001174066.2, NM_023105.3); c.1358C>T, p.Pro453Leu (NM_001174067.2); c.992C>T, p.Pro331Leu (NM_001354368.2, NM_001354370.2, NM_023106.3); short protein forms P331L, P333L, P414L, P420L, P422L, P453L.
Identifiers: ClinVar variation 3767402 (VCV003767402.1).
Genomic context (GRCh38, chr8:38,419,552, plus strand): 5'-AGAGAGGTGGTGCTGAGTGTGCAAATCCCCCATCTACTTTCTGTTACCTGTCTGCGCAGA[G>A]GGATGCTCTTGGCCAGCTTGTGCACAGCCATCTGGCTGTGGAAGTCACTCTTCTTGGTAC-3'
Protein context (NP_075598.2, residues 412-432): MAVHKLAKSI[Pro422Leu]LRRQVTVSAD